The following is an entry in ClinVar:

NM_012330.4(KAT6B):c.3312_3314del (p.Glu1104_Asn1105delinsAsp)

Gene: KAT6B (lysine acetyltransferase 6B; plus strand). Cytogenetic location: 10q22.2.
Variant type: Deletion.
Coding change: c.3312_3314del on transcript NM_012330.4 (MANE Select); coding-DNA positions 3312 to 3314, 3 bases deleted (AAA; older notation c.3312_3314delAAA).
Protein change: p.Glu1104_Asn1105delinsAsp.
Molecular consequence: inframe indel.
Genome position (GRCh38, 1-based): chr10:75,022,171-75,022,173, AAA deleted; deleting any 3 consecutive bases within chr10:75,022,170-75,022,173 gives the same sequence; the c. name uses the placement nearest the transcript's 3' end. VCF-style (leftmost placement, unchanged base first): chr10-75022169-GAAA-G. GRCh37 (hg19) VCF-style: chr10-76781927-GAAA-G.
Other names: c.2763_2765del, p.Glu921_Asn922delinsAsp (NM_001256468.2, NM_001370138.1); c.2436_2438del, p.Glu812_Asn813delinsAsp (NM_001256469.2, NM_001370139.1, NM_001370140.1 and 2 more transcripts); c.2274_2276del, p.Glu758_Asn759delinsAsp (NM_001370132.1); c.1623_1625del, p.Glu541_Asn542delinsAsp (NM_001370133.1); c.1227_1229del, p.Glu409_Asn410delinsAsp (NM_001370134.1); c.969_971del, p.Glu323_Asn324delinsAsp (NM_001370135.1); c.3312_3314del, p.Glu1104_Asn1105delinsAsp (NM_001370136.1, NM_001370137.1); c.2247_2249del, p.Glu749_Asn750delinsAsp (NM_001370143.1, NM_001370144.1).
Identifiers: ClinVar variation 2525828 (VCV002525828.2), dbSNP rs869035066, ClinGen allele CA594397625.

ClinVar aggregate classification (germline): Uncertain significance (1 of 4 stars; one submission).

Conditions:
Inborn genetic diseases. Identifiers: MedGen C0950123, MeSH D030342.

Submission:

Ambry Genetics
Classification: Uncertain significance for Inborn genetic diseases. Last evaluated: 2023-03-24. Review status: criteria provided, single submitter. Criteria: Ambry Variant Classification Scheme 2023. Collection method: clinical testing. Allele origin: germline.
Comment: The c.3312_3314delAAA (p.E1104_N1105delinsD) alteration is located in exon 16 (coding exon 14) of the KAT6B gene. This alteration consists of an in-frame deletion of 3 nucleotides between nucleotide positions c.3312 and c.3314, resulting in the deletion of <NA> residues. Based on insufficient or conflicting evidence, the clinical significance of this alteration remains unclear.